The following is an entry in ClinVar:

NM_152490.5(B3GALNT2):c.460C>G (p.Pro154Ala)

Gene: B3GALNT2 (beta-1,3-N-acetylgalactosaminyltransferase 2; minus strand). Cytogenetic location: 1q42.3.
Variant type: single nucleotide variant.
Coding change: c.460C>G on transcript NM_152490.5 (MANE Select); coding-DNA position 460, C replaced by G.
Protein change: p.Pro154Ala; replaces proline 154 with alanine.
Molecular consequence: missense variant.
Genome position (GRCh38, 1-based): chr1:235,484,417, G>C on the plus strand (C>G on the coding strand, the complement: B3GALNT2 is on the minus strand). VCF-style: chr1-235484417-G-C. GRCh37 (hg19) VCF-style: chr1-235647733-G-C.
Other names: c.583C>G, p.Pro195Ala (NM_001277155.3); short protein forms P195A, P154A.
Identifiers: ClinVar variation 1997299 (VCV001997299.4), dbSNP rs2527313503, ClinGen allele CA344925235.

ClinVar aggregate classification (germline): Uncertain significance (1 of 4 stars; one submission).

Conditions:
Muscular dystrophy-dystroglycanopathy (congenital with brain and eye anomalies), type a, 11 (MDDGA11). Also called: Muscular dystrophy-dystroglycanopathy (congenital with brain and eye anomalies, type A, 11; WALKER-WARBURG SYNDROME OR MUSCLE-EYE-BRAIN DISEASE, B3GALNT2-RELATED; Congenital muscular dystrophy-dystroglycanopathy with brain and eye anomalies, type A11. Identifiers: Orphanet 588, Orphanet 899, MedGen C3554638, MONDO:0014071, OMIM 615181.

Submission:

Labcorp Genetics (formerly Invitae), Labcorp
Classification: Uncertain significance for Muscular dystrophy-dystroglycanopathy (congenital with brain and eye anomalies), type a, 11. Last evaluated: 2022-05-22. Review status: criteria provided, single submitter. Criteria: Invitae Variant Classification Sherloc (09022015). Collection method: clinical testing. Allele origin: germline.
Comment: In summary, the available evidence is currently insufficient to determine the role of this variant in disease. Therefore, it has been classified as a Variant of Uncertain Significance. Algorithms developed to predict the effect of missense changes on protein structure and function are either unavailable or do not agree on the potential impact of this missense change (SIFT: "Tolerated"; PolyPhen-2: "Possibly Damaging"; Align-GVGD: "Class C0"). This variant has not been reported in the literature in individuals affected with B3GALNT2-related conditions. This variant is not present in population databases (gnomAD no frequency). This sequence change replaces proline, which is neutral and non-polar, with alanine, which is neutral and non-polar, at codon 154 of the B3GALNT2 protein (p.Pro154Ala).